The following is an entry in ClinVar:

NM_177438.3(DICER1):c.569T>C (p.Met190Thr)

Gene: DICER1 (dicer 1, ribonuclease III; minus strand). Cytogenetic location: 14q32.13.
Variant type: single nucleotide variant.
Coding change: c.569T>C on transcript NM_177438.3 (MANE Select); coding-DNA position 569, T replaced by C.
Protein change: p.Met190Thr; replaces methionine 190 with threonine.
Molecular consequence: missense variant.
Genome position (GRCh38, 1-based): chr14:95,130,062, A>G on the plus strand (T>C on the coding strand, the complement: DICER1 is on the minus strand). VCF-style: chr14-95130062-A-G. GRCh37 (hg19) VCF-style: chr14-95596399-A-G.
Other names: c.569T>C, p.Met190Thr (NM_001195573.1, NM_001271282.3, NM_001291628.2 and 1 more transcripts); short protein forms M190T.
Identifiers: ClinVar variation 825905 (VCV000825905.9), dbSNP rs1555375918, ClinGen allele CA390888336.
Genomic context (GRCh38, chr14:95,130,062, plus strand): 5'-TCTGCATTTACTCAATAGTTTACCAAGAATTACTAAGACTTAGGTCTAAAACTTACCTTC[A>G]TAATTTCTCGATAGGGGTGGTCTAGGATTGCAAGATGACACTCATCAAACACCAAAAGGT-3'
Protein context (NP_803187.1, residues 180-200): AILDHPYREI[Met190Thr]KLCENCPSCP

ClinVar aggregate classification (germline): Uncertain significance. Review status: criteria provided, multiple submitters, no conflicts (2 of 4 stars). 2 submissions from 2 submitters: Uncertain significance (2). Last evaluated 2024-08-27.

Conditions:
Hereditary cancer-predisposing syndrome. Also called: Neoplastic Syndromes, Hereditary; Hereditary Cancer Syndrome; Hereditary neoplastic syndrome; Tumor predisposition. Identifiers: Orphanet 140162, MedGen C0027672, MeSH D009386, MONDO:0015356.
DICER1-related tumor predisposition. Also called: DICER1-related pleuropulmonary blastoma cancer predisposition syndrome; DICER1 syndrome. Identifiers: Orphanet 284343, MedGen C3839822, MONDO:0100216.

Submissions (2):

Ambry Genetics
Classification: Uncertain significance for Hereditary cancer-predisposing syndrome. Last evaluated: 2024-08-27. Review status: criteria provided, single submitter. Criteria: Ambry Variant Classification Scheme 2023. Collection method: clinical testing. Allele origin: germline.
Comment: The p.M190T variant (also known as c.569T>C), located in coding exon 4 of the DICER1 gene, results from a T to C substitution at nucleotide position 569. The methionine at codon 190 is replaced by threonine, an amino acid with similar properties. This amino acid position is highly conserved in available vertebrate species. In addition, this alteration is predicted to be deleterious by in silico analysis. Since supporting evidence is limited at this time, the clinical significance of this alteration remains unclear.

Labcorp Genetics (formerly Invitae), Labcorp
Classification: Uncertain significance for DICER1-related tumor predisposition. Last evaluated: 2024-07-02. Review status: criteria provided, single submitter. Criteria: Invitae Variant Classification Sherloc (09022015). Collection method: clinical testing. Allele origin: germline.
Comment: This sequence change replaces methionine, which is neutral and non-polar, with threonine, which is neutral and polar, at codon 190 of the DICER1 protein (p.Met190Thr). This variant is not present in population databases (gnomAD no frequency). This variant has not been reported in the literature in individuals affected with DICER1-related conditions. ClinVar contains an entry for this variant (Variation ID: 825905). Advanced modeling of protein sequence and biophysical properties (such as structural, functional, and spatial information, amino acid conservation, physicochemical variation, residue mobility, and thermodynamic stability) performed at Invitae indicates that this missense variant is not expected to disrupt DICER1 protein function with a negative predictive value of 80%. In summary, the available evidence is currently insufficient to determine the role of this variant in disease. Therefore, it has been classified as a Variant of Uncertain Significance.